The following is an entry in ClinVar:

ClinVar aggregate classification (germline): Likely benign. Review status: criteria provided, multiple submitters, no conflicts (2 of 4 stars). 3 submissions from 3 submitters: Likely benign (3). Last evaluated 2025-06-02.

Conditions:
Hereditary cancer-predisposing syndrome. Also called: Tumor predisposition; Neoplastic Syndromes, Hereditary; Hereditary neoplastic syndrome; Hereditary Cancer Syndrome. Identifiers: Orphanet 140162, MedGen C0027672, MeSH D009386, MONDO:0015356.
Hereditary breast ovarian cancer syndrome. Also called: Breast and ovarian cancer; Hereditary breast and ovarian cancer; Hereditary breast and/or ovarian cancer syndrome; BRCA1- and BRCA2-Associated Hereditary Breast and Ovarian Cancer; Hereditary breast and ovarian cancer syndrome (HBOC); Hereditary breast and ovarian cancer syndrome. Identifiers: Orphanet 145, MedGen C0677776, MeSH D061325, MONDO:0003582. Disease mechanism: loss of function.

Allele frequency attached by ClinVar (database versions not stated): gnomAD exomes below 0.00001.
gnomAD v4.1: 3 of 1,613,920 alleles (0.00019%); highest among the groups gnomAD compares: Non-Finnish European, 0.00025%; no homozygotes.

Submissions (3):

Labcorp Genetics (formerly Invitae), Labcorp
Classification: Likely benign for Hereditary breast ovarian cancer syndrome. Last evaluated: 2025-06-02. Review status: criteria provided, single submitter. Criteria: Invitae Variant Classification Sherloc (09022015). Collection method: clinical testing. Allele origin: germline.

GeneDx
Classification: Likely benign. Last evaluated: 2017-08-09. Review status: criteria provided, single submitter. Criteria: GeneDx Variant Classification (06012015). Collection method: clinical testing. Allele origin: germline. Affected: yes.
Comment: This variant is considered likely benign or benign based on one or more of the following criteria: it is a conservative change, it occurs at a poorly conserved position in the protein, it is predicted to be benign by multiple in silico algorithms, and/or has population frequency not consistent with disease.

Ambry Genetics
Classification: Likely benign for Hereditary cancer-predisposing syndrome. Last evaluated: 2015-05-10. Review status: criteria provided, single submitter. Criteria: Ambry Variant Classification Scheme 2023. Collection method: clinical testing. Allele origin: germline.

NM_007294.4(BRCA1):c.483T>C (p.Thr161=)

Gene: BRCA1 (BRCA1 DNA repair associated; minus strand). Cytogenetic location: 17q21.31.
Variant type: single nucleotide variant.
Coding change: c.483T>C on transcript NM_007294.4 (MANE Select); coding-DNA position 483, T replaced by C.
Protein change: p.Thr161=; no amino-acid change (threonine 161 retained).
Molecular consequence: synonymous variant. On other transcripts: intron variant (2).
Genome position (GRCh38, 1-based): chr17:43,099,839, A>G on the plus strand (T>C on the coding strand, the complement: BRCA1 is on the minus strand). VCF-style: chr17-43099839-A-G. GRCh37 (hg19) VCF-style: chr17-41251856-A-G.
Other names: c.483T>C, p.Thr161= (NM_001407675.1, NM_001408419.1, NM_001408423.1 and 97 more transcripts); c.480T>C, p.Thr160= (NM_001408424.1, NM_001408421.1, NM_001407670.1 and 65 more transcripts); c.405T>C, p.Thr135= (NM_001407657.1, NM_001407658.1, NM_001407663.1 and 12 more transcripts); c.402T>C, p.Thr134= (NM_001407659.1, NM_001407660.1, NM_001407661.1 and 6 more transcripts); c.342T>C, p.Thr114= (NM_001407692.1, NM_001407694.1, NM_001407695.1 and 61 more transcripts); c.339T>C, p.Thr113= (NM_001407740.1, NM_001407741.1, NM_001407742.1 and 35 more transcripts); c.270T>C, p.Thr90= (NM_001407853.1, NM_001407894.1, NM_001407895.1 and 18 more transcripts); c.273T>C, p.Thr91= (NM_001407879.1, NM_001407881.1, NM_001407882.1 and 37 more transcripts); and 5 more.
Identifiers: ClinVar variation 415581 (VCV000415581.16), dbSNP rs1060504575, ClinGen allele CA16615699.